The following is an entry in ClinVar:

NM_000384.3(APOB):c.6402A>C (p.Gln2134His)

Gene: APOB (apolipoprotein B; minus strand). Cytogenetic location: 2p24.1.
Variant type: single nucleotide variant.
Coding change: c.6402A>C on transcript NM_000384.3 (MANE Select); coding-DNA position 6402, A replaced by C.
Protein change: p.Gln2134His; replaces glutamine 2134 with histidine.
Molecular consequence: missense variant.
Genome position (GRCh38, 1-based): chr2:21,010,466, T>G on the plus strand (A>C on the coding strand, the complement: APOB is on the minus strand). VCF-style: chr2-21010466-T-G. GRCh37 (hg19) VCF-style: chr2-21233338-T-G.
Other names: short protein forms Q2134H.
Identifiers: ClinVar variation 3308057 (VCV003308057.1).

ClinVar aggregate classification (germline): Uncertain significance (1 of 4 stars; one submission).

Conditions:
Cardiovascular phenotype. Identifiers: MedGen CN230736.

Submission:

Ambry Genetics
Classification: Uncertain significance for Cardiovascular phenotype. Last evaluated: 2024-06-02. Review status: criteria provided, single submitter. Criteria: Ambry Variant Classification Scheme 2023. Collection method: clinical testing. Allele origin: germline.
Comment: The p.Q2134H variant (also known as c.6402A>C), located in coding exon 26 of the APOB gene, results from an A to C substitution at nucleotide position 6402. The glutamine at codon 2134 is replaced by histidine, an amino acid with highly similar properties. This amino acid position is conserved. In addition, this alteration is predicted to be tolerated by in silico analysis. Based on the available evidence, the clinical significance of this variant remains unclear.